The following is an entry in ClinVar:

ClinVar aggregate classification (germline): Conflicting classifications of pathogenicity. Review status: criteria provided, conflicting classifications (1 of 4 stars). 7 submissions from 7 submitters: Uncertain significance (1); Benign (4); Likely benign (1). 1 of the submissions does not count toward it. Last evaluated 2026-02-02.

Conditions:
Methylmalonic acidemia due to methylmalonyl-CoA epimerase deficiency. Also called: Methylmalonyl-CoA Epimerase Deficiency; METHYLMALONYL-CoA RACEMASE DEFICIENCY; METHYLMALONIC ACIDURIA III. Identifiers: Orphanet 308425, MedGen C1855100, MONDO:0009615, OMIM 251120.

Allele frequency attached by ClinVar (database versions not stated): 1000 Genomes Project 0.00100; gnomAD exomes 0.00555 and 0.00549; 1000 Genomes Project 30x 0.00078; ExAC 0.00529; gnomAD 0.00540 and 0.00566; ESP Exome Variant Server 0.00538; TOPMed 0.00308.
gnomAD v4.1: 8,790 of 1,613,082 alleles (0.54%); highest among the groups gnomAD compares: Non-Finnish European, 0.58%; 55 homozygotes.

Submissions (7):

Labcorp Genetics (formerly Invitae), Labcorp
Classification: Benign for Methylmalonic acidemia due to methylmalonyl-CoA epimerase deficiency. Last evaluated: 2026-02-02. Review status: criteria provided, single submitter. Criteria: Invitae Variant Classification Sherloc (09022015). Collection method: clinical testing. Allele origin: germline.

CeGaT Center for Human Genetics Tuebingen
Classification: Benign. Last evaluated: 2023-05-01. Review status: criteria provided, single submitter. Criteria: CeGaT Center For Human Genetics Tuebingen Variant Classification Criteria Version 2. Collection method: clinical testing. Allele origin: germline. Affected: yes. Observed: 3 variant alleles.
Comment: MCEE: BS1, BS2

Women's Health and Genetics/Laboratory Corporation of America, LabCorp
Classification: Benign. Last evaluated: 2022-07-01. Review status: criteria provided, single submitter. Criteria: LabCorp Variant Classification Summary - May 2015. Collection method: clinical testing. Allele origin: germline.
Comment: Variant summary: MCEE c.427C>T (p.Arg143Cys) results in a non-conservative amino acid change located in the vicinal oxygen chelate (VOC) domain (IPR037523) of the encoded protein sequence. Five of five in-silico tools predict a damaging effect of the variant on protein function. The variant allele was found at a frequency of 0.0058 in 282430 control chromosomes (gnomAD), predominantly at a frequency of 0.026 within the Finnish subpopulation in the gnomAD database, including 15 homozygotes. The observed variant frequency within Finnish control individuals in the gnomAD database is approximately 52 fold of the estimated maximal expected allele frequency for a pathogenic variant in MCEE causing Methylmalonic Acidemia phenotype (0.0005), strongly suggesting that the variant is a benign polymorphism found primarily in populations of Finnish origin. Six assessments for this variant have been submitted to ClinVar after 2014 with conflicting assessments (benign n=3, likely benign n=1, VUS n=1, pathogenic n=1). Based on the evidence outlined above, the variant was classified as benign.

ARUP Laboratories, Molecular Genetics and Genomics, ARUP Laboratories
Classification: Benign for Methylmalonic acidemia due to methylmalonyl-CoA epimerase deficiency. Last evaluated: 2018-07-31. Review status: criteria provided, single submitter. Criteria: ARUP Molecular Germline Variant Investigation Process. Collection method: clinical testing. Allele origin: germline.

Illumina Laboratory Services, Illumina
Classification: Likely benign for Methylmalonic acidemia due to methylmalonyl-CoA epimerase deficiency. Last evaluated: 2018-06-19. Review status: criteria provided, single submitter. Criteria: ICSL Variant Classification Criteria 13 December 2019. Collection method: clinical testing. Allele origin: germline.
Comment: This variant was observed as part of a predisposition screen in an ostensibly healthy population. A literature search was performed for the gene, cDNA change, and amino acid change (where applicable). Publications were found based on this search. The evidence from the literature, in combination with allele frequency data from public databases where available, was sufficient to determine this variant is unlikely to cause disease. Therefore, this variant is classified as likely benign.

Eurofins Ntd Llc (ga)
Classification: Uncertain significance. Last evaluated: 2017-01-13. Review status: criteria provided, single submitter. Criteria: EGL Classification Definitions 2015. Collection method: clinical testing. Allele origin: germline. Observed: 2 variant alleles, 2 heterozygotes.

GeneReviews
No classification provided. Condition: Methylmalonic acidemia due to methylmalonyl-CoA epimerase deficiency. Review status: no classification provided. Collection method: literature only. Allele origin: germline. Affected: yes. Not counted in ClinVar's aggregate classification.

Literature cited by the submitters: PubMed 17823972 (cited by Illumina Laboratory Services, Illumina); NCBI Bookshelf NBK1231 (cited by GeneReviews).

NM_032601.4(MCEE):c.427C>T (p.Arg143Cys)

Gene: MCEE (methylmalonyl-CoA epimerase; minus strand). Cytogenetic location: 2p13.3.
Variant type: single nucleotide variant.
Coding change: c.427C>T on transcript NM_032601.4 (MANE Select); coding-DNA position 427, C replaced by T.
Protein change: p.Arg143Cys; replaces arginine 143 with cysteine.
Molecular consequence: missense variant.
Genome position (GRCh38, 1-based): chr2:71,110,074, G>A on the plus strand (C>T on the coding strand, the complement: MCEE is on the minus strand). VCF-style: chr2-71110074-G-A. GRCh37 (hg19) VCF-style: chr2-71337204-G-A.
Other names: short protein forms R143C.
Identifiers: ClinVar variation 203810 (VCV000203810.57), dbSNP rs138436961, ClinGen allele CA312696.